The following is an entry in ClinVar:

ClinVar aggregate classification (germline): Pathogenic (1 of 4 stars; one submission).

Conditions:
Renal tubular acidosis with progressive nerve deafness. Also called: RENAL TUBULAR ACIDOSIS, AUTOSOMAL RECESSIVE, WITH PROGRESSIVE NERVE DEAFNESS; RTA WITH PROGRESSIVE NERVE DEAFNESS; Distal Renal Tubular Acidosis with Progressive Sensorineural Deafness; renal tubular acidosis, distal, 2, with progressive sensorineural hearing loss. Identifiers: MedGen C0403554, MONDO:0009968, OMIM 267300.

Submission:

Myriad Genetics, Inc.
Classification: Pathogenic for Renal tubular acidosis with progressive nerve deafness. Last evaluated: 2024-05-14. Review status: criteria provided, single submitter. Criteria: Myriad Autosomal Dominant, Autosomal Recessive and X-Linked Classification Criteria (2023). Collection method: clinical testing. Allele origin: unknown.
Comment: NM_001692.3(ATP6V1B1):c.234_235ins11(Q79Kfs*89) is expected to be pathogenic in the context of distal renal tubular acidosis with deafness, ATP6V1B1-related. This variant is predicted to lead to an abnormal or absent protein product due to the creation of a premature termination codon in ATP6V1B1, a gene where loss-of-function variants are known to be pathogenic. Please note: this variant was assessed in the context of healthy population screening.

NM_001692.4(ATP6V1B1):c.234_235insAAGTGGACGAT (p.Gln79fs)

Gene: ATP6V1B1 (ATPase H+ transporting V1 subunit B1; plus strand). Cytogenetic location: 2p13.3.
Variant type: Insertion.
Coding change: c.234_235insAAGTGGACGAT on transcript NM_001692.4 (MANE Select); coding-DNA positions 234 to 235, AAGTGGACGAT inserted.
Protein change: p.Gln79fs; shifts the reading frame from glutamine 79.
Molecular consequence: frameshift variant.
Genome position: GRCh38 VCF-style: chr2-70958105-G-GAAGTGGACGAT. GRCh37 (hg19) VCF-style: chr2-71185235-G-GAAGTGGACGAT.
Other names: short protein forms Q79fs.
Identifiers: ClinVar variation 5010636 (VCV005010636.1).